The following is an entry in ClinVar:

NM_000218.3(KCNQ1):c.1515-31C>G

Gene: KCNQ1 (potassium voltage-gated channel subfamily Q member 1; plus strand). Cytogenetic location: 11p15.5.
Variant type: single nucleotide variant.
Coding change: c.1515-31C>G on transcript NM_000218.3 (MANE Select); 31 bases into the intron before coding-DNA position 1515, C replaced by G.
Molecular consequence: intron variant.
Genome position (GRCh38, 1-based): chr11:2,768,813, C>G. VCF-style: chr11-2768813-C-G. GRCh37 (hg19) VCF-style: chr11-2790043-C-G.
Other names: c.1245-31C>G (NM_001406837.1); c.1419-31C>G (NM_001406836.1); c.975-31C>G (NM_001406838.1); c.1134-31C>G (NM_181798.2).
Identifiers: ClinVar variation 675575 (VCV000675575.3), dbSNP rs77916733, ClinGen allele CA030529.

ClinVar aggregate classification (germline): Benign (1 of 4 stars; one submission).

Allele frequency attached by ClinVar (database versions not stated): ESP Exome Variant Server 0.02784; TOPMed 0.02806; 1000 Genomes Project 0.02815; 1000 Genomes Project 30x 0.02936.
gnomAD v4.1: 7,520 of 1,598,130 alleles (0.47%); highest among the groups gnomAD compares: African/African-American, 8.4%; 301 homozygotes.

Submission:

GeneDx
Classification: Benign. Last evaluated: 2018-06-14. Review status: criteria provided, single submitter. Criteria: GeneDx Variant Classification (06012015). Collection method: clinical testing. Allele origin: germline. Affected: yes.
Comment: This variant is considered likely benign or benign based on one or more of the following criteria: it is a conservative change, it occurs at a poorly conserved position in the protein, it is predicted to be benign by multiple in silico algorithms, and/or has population frequency not consistent with disease.